The following is an entry in ClinVar:

NM_000501.4(ELN):c.542-1G>C

Gene: ELN (elastin; plus strand). Cytogenetic location: 7q11.23.
Variant type: single nucleotide variant.
Coding change: c.542-1G>C on transcript NM_000501.4 (MANE Select); the canonical splice acceptor site of the intron before coding-DNA position 542, G replaced by C.
Molecular consequence: splice acceptor variant. On other transcripts: intron variant (2).
Genome position (GRCh38, 1-based): chr7:74,046,187, G>C. VCF-style: chr7-74046187-G-C. GRCh37 (hg19) VCF-style: chr7-73460517-G-C.
Other names: c.557-1G>C (NM_001081754.3, NM_001081753.3); c.542-1G>C (NM_001278939.2, NM_001278915.2, NM_001278912.2 and 2 more transcripts); c.506-509G>C (NM_001278913.2); c.527-1G>C (NM_001278914.2); c.512-1G>C (NM_001278917.2, NM_001081752.3); c.440-509G>C (NM_001278918.2).
Identifiers: ClinVar variation 2955130 (VCV002955130.4), dbSNP rs566481621, ClinGen allele CA367869908.
Genomic context (GRCh38, chr7:74,046,187, plus strand): 5'-GTGCTGTCTGGCCCAGTGTCCACAGTTCCAGGGCTGTAGTGACAGCTTTTTATCATTACA[G>C]GTGTAGGTGGAGCTTTTGCTGGAATCCCAGGTGAGGCAAGGCTGGTGGGAGAAGCAGGGT-3'

ClinVar aggregate classification (germline): Conflicting classifications of pathogenicity. Review status: criteria provided, conflicting classifications (1 of 4 stars). 2 submissions from 2 submitters: Likely pathogenic (1); Uncertain significance (1). Last evaluated 2023-11-17.

Conditions:
Supravalvar aortic stenosis (SVAS). Also called: Supravalvar aortic stenosis, Eisenberg type. Identifiers: Orphanet 3193, MedGen C0003499, MONDO:0008504, OMIM 185500, HP:0004381.

gnomAD v4.1: 6 of 1,614,250 alleles (0.00037%); highest among the groups gnomAD compares: Non-Finnish European, 0.00051%; no homozygotes.

Submissions (2):

GeneDx
Classification: Uncertain significance. Last evaluated: 2023-11-17. Review status: criteria provided, single submitter. Criteria: GeneDx Variant Classification Process June 2021. Collection method: clinical testing. Allele origin: germline. Affected: yes.
Comment: Not observed at significant frequency in large population cohorts (gnomAD); Canonical splice site variant with an unclear effect on protein function; Has not been previously published as pathogenic or benign to our knowledge

Labcorp Genetics (formerly Invitae), Labcorp
Classification: Likely pathogenic for Supravalvar aortic stenosis. Last evaluated: 2023-10-09. Review status: criteria provided, single submitter. Criteria: Invitae Variant Classification Sherloc (09022015). Collection method: clinical testing. Allele origin: germline.
Comment: This sequence change affects an acceptor splice site in intron 10 of the ELN gene. It is expected to disrupt RNA splicing. Variants that disrupt the donor or acceptor splice site typically lead to a loss of protein function (PMID: 16199547), and loss-of-function variants in ELN are known to be pathogenic (PMID: 11175284). This variant is not present in population databases (gnomAD no frequency). This variant has not been reported in the literature in individuals affected with ELN-related conditions. Algorithms developed to predict the effect of sequence changes on RNA splicing suggest that this variant may disrupt the consensus splice site. In summary, the currently available evidence indicates that the variant is pathogenic, but additional data are needed to prove that conclusively. Therefore, this variant has been classified as Likely Pathogenic.

Literature cited by the submitters: PubMed 16199547 (cited by Labcorp Genetics (formerly Invitae), Labcorp); PubMed 11175284 (cited by Labcorp Genetics (formerly Invitae), Labcorp).